The following is an entry in ClinVar:

NM_000493.4(COL10A1):c.1927G>A (p.Asp643Asn)

Genes: COL10A1 (collagen type X alpha 1 chain; minus strand), NT5DC1 (5'-nucleotidase domain containing 1; plus strand). Cytogenetic location: 6q22.1.
Variant type: single nucleotide variant.
Coding change: c.1927G>A on transcript NM_000493.4 (MANE Select); coding-DNA position 1927, G replaced by A.
Protein change: p.Asp643Asn; replaces aspartic acid 643 with asparagine.
Molecular consequence: missense variant. On other transcripts: intron variant (1).
Genome position (GRCh38, 1-based): chr6:116,120,189, C>T on the plus strand (G>A on the coding strand, the complement: COL10A1 is on the minus strand). VCF-style: chr6-116120189-C-T. GRCh37 (hg19) VCF-style: chr6-116441352-C-T.
Other names: c.1927G>A, p.Asp643Asn (NM_001424106.1, NM_001424107.1); c.529+2244C>T (NM_152729.3); short protein forms D643N.
Identifiers: ClinVar variation 597531 (VCV000597531.16), dbSNP rs201121404, ClinGen allele CA3968091.

ClinVar aggregate classification (germline): Conflicting classifications of pathogenicity. Review status: criteria provided, conflicting classifications (1 of 4 stars). 4 submissions from 4 submitters: Uncertain significance (3); Likely benign (1). Last evaluated 2025-03-06.

Conditions:
Inborn genetic diseases. Identifiers: MedGen C0950123, MeSH D030342.

Allele frequency attached by ClinVar (database versions not stated): 1000 Genomes Project 30x 0.00031; gnomAD 0.00038; 1000 Genomes Project 0.00040; TOPMed 0.00049; ESP Exome Variant Server 0.00062.
gnomAD v4.1: 153 of 1,614,074 alleles (0.0095%); highest among the groups gnomAD compares: African/African-American, 0.15%; no homozygotes.

Submissions (4):

Labcorp Genetics (formerly Invitae), Labcorp
Classification: Likely benign. Last evaluated: 2025-03-06. Review status: criteria provided, single submitter. Criteria: Invitae Variant Classification Sherloc (09022015). Collection method: clinical testing. Allele origin: germline.

GeneDx
Classification: Uncertain significance. Last evaluated: 2024-12-16. Review status: criteria provided, single submitter. Criteria: GeneDx Variant Classification Process June 2021. Collection method: clinical testing. Allele origin: germline. Affected: yes.
Comment: In silico analysis indicates that this missense variant does not alter protein structure/function; Has not been previously published as pathogenic or benign to our knowledge

Ambry Genetics
Classification: Uncertain significance for Inborn genetic diseases. Last evaluated: 2024-02-27. Review status: criteria provided, single submitter. Criteria: Ambry Variant Classification Scheme 2023. Collection method: clinical testing. Allele origin: germline.

Eurofins Ntd Llc (ga)
Classification: Uncertain significance. Last evaluated: 2018-06-08. Review status: criteria provided, single submitter. Criteria: EGL ClinVar v180209 classification definitions. Collection method: clinical testing. Allele origin: germline. Observed: 1 variant allele, 1 heterozygote.